The following is an entry in ClinVar:

ClinVar aggregate classification (germline): Uncertain significance. Review status: criteria provided, multiple submitters, no conflicts (2 of 4 stars). 3 submissions from 3 submitters: Uncertain significance (3). Last evaluated 2026-01-02.

Conditions:
POLD1-related polyposis and colorectal cancer syndrome (CRCS10). Also called: Colorectal cancer 10; COLORECTAL CANCER, SUSCEPTIBILITY TO, ON CHROMOSOME 19q; Colorectal cancer, susceptibility to, 10. Identifiers: Orphanet 220460, MedGen C2675481, MONDO:0012953, OMIM 612591.

gnomAD v4.1: 3 of 1,595,054 alleles (0.00019%); highest among the groups gnomAD compares: East Asian, 0.0023%; no homozygotes.

Submissions (3):

Labcorp Genetics (formerly Invitae), Labcorp
Classification: Uncertain significance for POLD1-related polyposis and colorectal cancer syndrome. Last evaluated: 2026-01-02. Review status: criteria provided, single submitter. Criteria: Invitae Variant Classification Sherloc (09022015). Collection method: clinical testing. Allele origin: germline.
Comment: This sequence change falls in intron 25 of the POLD1 gene. It does not directly change the encoded amino acid sequence of the POLD1 protein. This variant is not present in population databases (gnomAD no frequency). This variant has not been reported in the literature in individuals affected with POLD1-related conditions. ClinVar contains an entry for this variant (Variation ID: 537048). Algorithms developed to predict the effect of sequence changes on RNA splicing suggest that this variant may disrupt the consensus splice site. In summary, the available evidence is currently insufficient to determine the role of this variant in disease. Therefore, it has been classified as a Variant of Uncertain Significance.

Dasa
Classification: Uncertain significance. Last evaluated: 2025-11-20. Review status: criteria provided, single submitter. Criteria: DASA Assertion Criteria. Collection method: clinical testing. Allele origin: germline.
Comment: NM_002691.4(POLD1):c.3121-9C>A is a splice-region variant predicted to affect normal RNA splicing. This variant is rare in population databases. Computational prediction algorithms are consistent with a deleterious effect. The currently available literature and clinical evidence are not sufficient to establish a definitive association between this variant and the reported condition. Therefore, this variant is classified as a variant of uncertain significance.

Mayo Clinic Laboratories, Mayo Clinic
Classification: Uncertain significance. Last evaluated: 2023-08-28. Review status: criteria provided, single submitter. Criteria: ACMG Guidelines, 2015. Collection method: clinical testing. Allele origin: germline. Observed: 1 variant allele.

NM_002691.4(POLD1):c.3121-9C>A

Gene: POLD1 (DNA polymerase delta 1, catalytic subunit; plus strand). Cytogenetic location: 19q13.33.
Variant type: single nucleotide variant.
Coding change: c.3121-9C>A on transcript NM_002691.4 (MANE Select); 9 bases into the intron before coding-DNA position 3121, C replaced by A.
Molecular consequence: intron variant.
Genome position (GRCh38, 1-based): chr19:50,417,163, C>A. VCF-style: chr19-50417163-C-A. GRCh37 (hg19) VCF-style: chr19-50920420-C-A.
Other names: p.?; c.3199-9C>A (NM_001308632.1, LRG_785t2); c.3121-9C>A (LRG_785t1, NM_001256849.1).
Identifiers: ClinVar variation 537048 (VCV000537048.11), dbSNP rs149742605, ClinGen allele CA658799281.